The following is an entry in ClinVar:

NM_000059.4(BRCA2):c.3848T>C (p.Val1283Ala)

Gene: BRCA2 (BRCA2 DNA repair associated; plus strand). Cytogenetic location: 13q13.1.
Variant type: single nucleotide variant.
Coding change: c.3848T>C on transcript NM_000059.4 (MANE Select); coding-DNA position 3848, T replaced by C.
Protein change: p.Val1283Ala; replaces valine 1283 with alanine.
Molecular consequence: missense variant.
Genome position (GRCh38, 1-based): chr13:32,338,203, T>C. VCF-style: chr13-32338203-T-C. GRCh37 (hg19) VCF-style: chr13-32912340-T-C.
Other names: short protein forms V1283A.
Identifiers: ClinVar variation 234575 (VCV000234575.17), dbSNP rs80358628, ClinGen allele CA10577468.

ClinVar aggregate classification (germline): Conflicting classifications of pathogenicity. Review status: criteria provided, conflicting classifications (1 of 4 stars). 4 submissions from 4 submitters: Uncertain significance (3); Likely benign (1). Last evaluated 2025-05-13.

Conditions:
Hereditary cancer-predisposing syndrome. Also called: Hereditary neoplastic syndrome; Hereditary Cancer Syndrome; Neoplastic Syndromes, Hereditary; Tumor predisposition. Identifiers: Orphanet 140162, MedGen C0027672, MeSH D009386, MONDO:0015356.
Hereditary breast ovarian cancer syndrome. Also called: BRCA1- and BRCA2-Associated Hereditary Breast and Ovarian Cancer; Hereditary breast and ovarian cancer syndrome; Hereditary breast and ovarian cancer; Hereditary breast and ovarian cancer syndrome (HBOC); Breast and ovarian cancer; Hereditary breast and/or ovarian cancer syndrome. Identifiers: Orphanet 145, MedGen C0677776, MeSH D061325, MONDO:0003582. Disease mechanism: loss of function.

Allele frequency attached by ClinVar (database versions not stated): gnomAD exomes below 0.00001.
gnomAD v4.1: 1 of 1,548,234 alleles (0.000065%); highest among the groups gnomAD compares: Non-Finnish European, 0.000087%; no homozygotes.

Submissions (4):

Labcorp Genetics (formerly Invitae), Labcorp
Classification: Uncertain significance for Hereditary breast ovarian cancer syndrome. Last evaluated: 2025-05-13. Review status: criteria provided, single submitter. Criteria: Invitae Variant Classification Sherloc (09022015). Collection method: clinical testing. Allele origin: germline.
Comment: This sequence change replaces valine, which is neutral and non-polar, with alanine, which is neutral and non-polar, at codon 1283 of the BRCA2 protein (p.Val1283Ala). This variant is not present in population databases (gnomAD no frequency). This variant has not been reported in the literature in individuals affected with BRCA2-related conditions. ClinVar contains an entry for this variant (Variation ID: 234575). Invitae Evidence Modeling of protein sequence and biophysical properties (such as structural, functional, and spatial information, amino acid conservation, physicochemical variation, residue mobility, and thermodynamic stability) indicates that this missense variant is not expected to disrupt BRCA2 protein function with a negative predictive value of 95%. In summary, the available evidence is currently insufficient to determine the role of this variant in disease. Therefore, it has been classified as a Variant of Uncertain Significance.

University of Washington Department of Laboratory Medicine, University of Washington
Classification: Likely benign for Hereditary cancer-predisposing syndrome. Last evaluated: 2023-03-23. Review status: criteria provided, single submitter. Criteria: Dines et al. (Genet Med. 2020). Collection method: curation. Allele origin: germline.
Comment: Missense variant in a coldspot region where missense variants are very unlikely to be pathogenic (PMID:31911673).

BRCA2 exon 11 coldspot. Reclassification based on statistical prior probability.

Ambry Genetics
Classification: Uncertain significance for Hereditary cancer-predisposing syndrome. Last evaluated: 2022-06-30. Review status: criteria provided, single submitter. Criteria: Ambry Variant Classification Scheme 2023. Collection method: clinical testing. Allele origin: germline.
Comment: The p.V1283A variant (also known as c.3848T>C), located in coding exon 10 of the BRCA2 gene, results from a T to C substitution at nucleotide position 3848. The valine at codon 1283 is replaced by alanine, an amino acid with similar properties. This amino acid position is poorly conserved in available vertebrate species. In addition, this alteration is predicted to be tolerated by in silico analysis. Since supporting evidence is limited at this time, the clinical significance of this alteration remains unclear.

GeneDx
Classification: Uncertain significance. Last evaluated: 2015-10-21. Review status: criteria provided, single submitter. Criteria: GeneDx Variant Classification (06012015). Collection method: clinical testing. Allele origin: germline. Affected: yes.
Comment: This variant is denoted BRCA2 c.3848T>C at the cDNA level, p.Val1283Ala (V1283A) at the protein level, and results in the change of a Valine to an Alanine (GTA>GCA). Using alternate nomenclature, this variant has been previously published as BRCA2 4076T>C, having been observed in a case of contralateral breast cancer (Borg 2010). BRCA2 Val1283Ala was not observed in approximately 6,500 individuals of European and African American ancestry in the NHLBI Exome Sequencing Project, indicating it is not a common benign variant in these populations. Since Valine and Alanine share similar properties, this is considered a conservative amino acid substitution. BRCA2 Val1283Ala occurs at a position that is not conserved and is located in a region that interacts with RAD51 (Roy 2012). In silico analyses predict that this variant is unlikely to alter protein structure or function. Based on currently available evidence, it is unclear whether BRCA2 Val1283Ala is pathogenic or benign.